The following is an entry in ClinVar:

NM_001374828.1(ARID1B):c.6867_6877del (p.Val2290fs)

Gene: ARID1B (AT-rich interaction domain 1B; plus strand). Cytogenetic location: 6q25.3.
Variant type: Deletion.
Coding change: c.6867_6877del on transcript NM_001374828.1 (MANE Select); coding-DNA positions 6867 to 6877, 11 bases deleted (GGTCACGATGG).
Protein change: p.Val2290fs; shifts the reading frame from valine 2290.
Molecular consequence: frameshift variant.
Genome position (GRCh38, 1-based): chr6:157,207,639-157,207,649, GGTCACGATGG deleted; deleting any 11 consecutive bases within chr6:157,207,634-157,207,649 gives the same sequence; the c. name uses the placement nearest the transcript's 3' end. VCF-style (leftmost placement, unchanged base first): chr6-157207633-GGATGGGGTCAC-G. GRCh37 (hg19) VCF-style: chr6-157528767-GGATGGGGTCAC-G.
Other names: c.6498_6508delGGTCACGATGG (NM_020732.3); c.4368_4378del, p.Val1457fs (NM_001363725.2); c.6747_6757del, p.Val2250fs (NM_001371656.1, NM_001374820.1); c.6708_6718del, p.Val2237fs (NM_017519.3); short protein forms V1457fs, V2237fs, V2250fs, V2290fs.
Identifiers: ClinVar variation 419478 (VCV000419478.2), dbSNP rs1064793899, ClinGen allele CA16618268.

ClinVar aggregate classification (germline): Pathogenic (1 of 4 stars; one submission).

Submission:

GeneDx
Classification: Pathogenic. Last evaluated: 2015-08-13. Review status: criteria provided, single submitter. Criteria: GeneDx Variant Classification (06012015). Collection method: clinical testing. Allele origin: germline. Affected: yes.
Comment: The c.6498_6508del11 deletion in the ARID1B gene has not been reported previously as a pathogenic variant nor as a benign polymorphism, to our knowledge. The c.6498_6508del11 deletion causesa frameshift starting with codon Valine 2167, changes this amino acid to a Proline residue, and creates apremature Stop codon at position 21 of the new reading frame, denoted p.Val2167ProfsX21. This variant is predicted to cause loss of normal protein function through protein truncation. The c.6498_6508del11deletion was not observed in approximately 6,500 individuals of European and African American ancestryin the NHLBI Exome Sequencing Project, indicating it is not a common benign variant in these populations.We interpret c.6498_6508del11 as a pathogenic variant.